The following is an entry in ClinVar:

NM_000342.4(SLC4A1):c.2479C>T (p.Arg827Trp)

Gene: SLC4A1 (solute carrier family 4 member 1 (Diego blood group); minus strand). Cytogenetic location: 17q21.31.
Variant type: single nucleotide variant.
Coding change: c.2479C>T on transcript NM_000342.4 (MANE Select); coding-DNA position 2479, C replaced by T.
Protein change: p.Arg827Trp; replaces arginine 827 with tryptophan.
Molecular consequence: missense variant.
Genome position (GRCh38, 1-based): chr17:44,251,421, G>A on the plus strand (C>T on the coding strand, the complement: SLC4A1 is on the minus strand). VCF-style: chr17-44251421-G-A. GRCh37 (hg19) VCF-style: chr17-42328789-G-A.
Other names: short protein forms R827W.
Identifiers: ClinVar variation 4080086 (VCV004080086.2).

ClinVar aggregate classification (germline): Uncertain significance. Review status: criteria provided, multiple submitters, no conflicts (2 of 4 stars). 2 submissions from 2 submitters: Uncertain significance (2). Last evaluated 2024-09-09.

Conditions:
Renal tubular acidosis, distal, 4, with hemolytic anemia. Also called: Renal Tubular Acidosis, Distal, with Hemolytic Anemia. Identifiers: Orphanet 93610, MedGen C5436235, MONDO:0012700, OMIM 611590.

Submissions (2):

3billion
Classification: Uncertain significance for Renal tubular acidosis, distal, 4, with hemolytic anemia. Last evaluated: 2024-09-09. Review status: criteria provided, single submitter. Criteria: ACMG Guidelines, 2015. Collection method: clinical testing. Allele origin: germline. Affected: yes.
Comment: The variant is observed at an extremely low frequency in the gnomAD v4.0.0 dataset (total allele frequency: <0.001%). Predicted Consequence/Location: Missense variant In silico tool predictions suggest damaging effect of the variant on gene or gene product [REVEL: 0.70 (>=0.6, sensitivity 0.68 and specificity 0.92)]. Therefore, this variant is classified as VUS according to the recommendation of ACMG/AMP guideline.

Revvity Omics, Revvity
Classification: Uncertain significance. Last evaluated: 2024-01-23. Review status: criteria provided, single submitter. Criteria: ACMG Guidelines, 2015. Collection method: clinical testing. Allele origin: germline.